The following is an entry in ClinVar:

ClinVar aggregate classification (germline): Uncertain significance. Review status: criteria provided, multiple submitters, no conflicts (2 of 4 stars). 3 submissions from 3 submitters: Uncertain significance (3). Last evaluated 2023-08-28.

Conditions:
Hypertrophic cardiomyopathy. Also called: HYPERTROPHIC MYOCARDIOPATHY. Identifiers: Orphanet 217569, MedGen C0007194, MeSH D002312, MONDO:0005045, HP:0001639.
Cardiovascular phenotype. Identifiers: MedGen CN230736.
Hypertrophic cardiomyopathy 16. Identifiers: MedGen C3151204, MONDO:0013455, OMIM 613838.

Allele frequency attached by ClinVar (database versions not stated): ExAC 0.00001; gnomAD exomes 0.00002; gnomAD 0.00003; TOPMed 0.00004.
gnomAD v4.1: 22 of 1,613,528 alleles (0.0014%); highest among the groups gnomAD compares: Non-Finnish European, 0.0015%; no homozygotes.

Submissions (3):

Labcorp Genetics (formerly Invitae), Labcorp
Classification: Uncertain significance for Hypertrophic cardiomyopathy. Last evaluated: 2023-08-28. Review status: criteria provided, single submitter. Criteria: Invitae Variant Classification Sherloc (09022015). Collection method: clinical testing. Allele origin: germline.
Comment: Algorithms developed to predict the effect of missense changes on protein structure and function output the following: SIFT: "Not Available"; PolyPhen-2: "Not Available"; Align-GVGD: "Not Available". The lysine amino acid residue is found in multiple mammalian species, which suggests that this missense change does not adversely affect protein function. In summary, the available evidence is currently insufficient to determine the role of this variant in disease. Therefore, it has been classified as a Variant of Uncertain Significance. ClinVar contains an entry for this variant (Variation ID: 1450707). This variant has not been reported in the literature in individuals affected with MYOZ2-related conditions. This variant is present in population databases (rs752275226, gnomAD 0.004%). This sequence change replaces glutamic acid, which is acidic and polar, with lysine, which is basic and polar, at codon 251 of the MYOZ2 protein (p.Glu251Lys).

Ambry Genetics
Classification: Uncertain significance for Cardiovascular phenotype. Last evaluated: 2023-03-06. Review status: criteria provided, single submitter. Criteria: Ambry Variant Classification Scheme 2023. Collection method: clinical testing. Allele origin: germline.

Fulgent Genetics
Classification: Uncertain significance for Hypertrophic cardiomyopathy 16. Last evaluated: 2021-11-20. Review status: criteria provided, single submitter. Criteria: ACMG Guidelines, 2015. Collection method: clinical testing. Allele origin: unknown.

NM_016599.5(MYOZ2):c.751G>A (p.Glu251Lys)

Gene: MYOZ2 (myozenin 2; plus strand). Cytogenetic location: 4q26.
Variant type: single nucleotide variant.
Coding change: c.751G>A on transcript NM_016599.5 (MANE Select); coding-DNA position 751, G replaced by A.
Protein change: p.Glu251Lys; replaces glutamic acid 251 with lysine.
Molecular consequence: missense variant.
Genome position (GRCh38, 1-based): chr4:119,186,156, G>A. VCF-style: chr4-119186156-G-A. GRCh37 (hg19) VCF-style: chr4-120107311-G-A.
Other names: c.751G>A (NM_016599.4); short protein forms E251K.
Identifiers: ClinVar variation 1450707 (VCV001450707.8), dbSNP rs752275226, ClinGen allele CA3058704.